The following is an entry in ClinVar:

NM_000071.3(CBS):c.1642C>T (p.Arg548Trp)

Gene: CBS (cystathionine beta-synthase; minus strand). Cytogenetic location: 21q22.3.
Variant type: single nucleotide variant.
Coding change: c.1642C>T on transcript NM_000071.3 (MANE Select); coding-DNA position 1642, C replaced by T.
Protein change: p.Arg548Trp; replaces arginine 548 with tryptophan.
Molecular consequence: missense variant.
Genome position (GRCh38, 1-based): chr21:43,053,894, G>A on the plus strand (C>T on the coding strand, the complement: CBS is on the minus strand). VCF-style: chr21-43053894-G-A. GRCh37 (hg19) VCF-style: chr21-44474004-G-A.
Other names: c.1642C>T, p.Arg548Trp (NM_001178008.3, NM_001178009.3, NM_001320298.2); c.1327C>T, p.Arg443Trp (NM_001321072.1); short protein forms R443W, R548W.
Identifiers: ClinVar variation 1187669 (VCV001187669.9), dbSNP rs766444814, ClinGen allele CA321684636.

ClinVar aggregate classification (germline): Uncertain significance. Review status: criteria provided, multiple submitters, no conflicts (2 of 4 stars). 5 submissions from 5 submitters: Uncertain significance (4). 1 of the submissions does not count toward it. Last evaluated 2025-10-20.

Conditions:
HYPERHOMOCYSTEINEMIA, THROMBOTIC, CBS-RELATED. Identifiers: MedGen C3150344, OMIM 236200.
Familial thoracic aortic aneurysm and aortic dissection (TAAD). Also called: Thoracic aortic aneurysms and dissections. Identifiers: Orphanet 91387, MedGen C4707243, MONDO:0019625.
Classic homocystinuria. Also called: HOMOCYSTINURIA WITH OR WITHOUT RESPONSE TO PYRIDOXINE; Homocystinuria due to Cystathionine Beta-Synthase Deficiency; Homocystinuria due to CBS deficiency; Cystathionine beta-synthase deficiency; CBS deficiency. Identifiers: Orphanet 394, MedGen C0751202, MONDO:0009352, OMIM 236200.

Allele frequency attached by ClinVar (database versions not stated): gnomAD exomes 0.00012; ExAC 0.00013.

Submissions (5):

Women's Health and Genetics/Laboratory Corporation of America, LabCorp
Classification: Uncertain significance. Last evaluated: 2025-10-20. Review status: criteria provided, single submitter. Criteria: LabCorp Variant Classification Summary - May 2015. Collection method: clinical testing. Allele origin: germline.
Comment: Variant summary: CBS c.1642C>T (p.Arg548Trp) results in a non-conservative amino acid change in the encoded protein sequence. Algorithms developed to predict the effect of missense changes on protein structure and function are either unavailable or do not agree on the potential impact of this missense change. The variant allele was found at a frequency of 0.00012 in 249252 control chromosomes (gnomAD). This frequency is not significantly higher than estimated for disease-causing variants in CBS, allowing no conclusion about variant significance. c.1642C>T has been reported in the literature in the presumed homozygous state in at least 1 individual affected with clinical features of Homocystinuria (example, Kaur_2020). The report does not provide unequivocal conclusions about association of the variant with Homocystinuria. To our knowledge, no experimental evidence demonstrating an impact on protein function has been reported. The following publication have been ascertained in the context of this evaluation (PMID: 33057012). ClinVar contains an entry for this variant (Variation ID: 1187669). Based on the evidence outlined above, the variant was classified as uncertain significance.

Labcorp Genetics (formerly Invitae), Labcorp
Classification: Uncertain significance for HYPERHOMOCYSTEINEMIA, THROMBOTIC, CBS-RELATED. Last evaluated: 2024-10-03. Review status: criteria provided, single submitter. Criteria: Invitae Variant Classification Sherloc (09022015). Collection method: clinical testing. Allele origin: germline.
Comment: This sequence change replaces arginine, which is basic and polar, with tryptophan, which is neutral and slightly polar, at codon 548 of the CBS protein (p.Arg548Trp). This variant is present in population databases (rs766444814, gnomAD 0.05%). This missense change has been observed in individual(s) with clinical features of homocystinuria (PMID: 33057012). ClinVar contains an entry for this variant (Variation ID: 1187669). Invitae Evidence Modeling of protein sequence and biophysical properties (such as structural, functional, and spatial information, amino acid conservation, physicochemical variation, residue mobility, and thermodynamic stability) indicates that this missense variant is not expected to disrupt CBS protein function with a negative predictive value of 95%. In summary, the available evidence is currently insufficient to determine the role of this variant in disease. Therefore, it has been classified as a Variant of Uncertain Significance.

Ambry Genetics
Classification: Uncertain significance for Familial thoracic aortic aneurysm and aortic dissection. Last evaluated: 2024-03-14. Review status: criteria provided, single submitter. Criteria: Ambry Variant Classification Scheme 2023. Collection method: clinical testing. Allele origin: germline.
Comment: The p.R548W variant (also known as c.1642C>T), located in coding exon 15 of the CBS gene, results from a C to T substitution at nucleotide position 1642. The arginine at codon 548 is replaced by tryptophan, an amino acid with dissimilar properties. This variant has been detected in the heterozygous state in an individual suspected of having homocystinuria (Kaur R et al. Sci Rep, 2020 Oct;10:17299). This amino acid position is not well conserved in available vertebrate species. In addition, this alteration is predicted to be tolerated by in silico analysis. Based on the available evidence, the clinical significance of this alteration remains unclear.

GeneDx
Classification: Uncertain significance. Last evaluated: 2020-01-02. Review status: criteria provided, single submitter. Criteria: GeneDx Variant Classification Process June 2021. Collection method: clinical testing. Allele origin: germline. Affected: yes.
Comment: In silico analysis, which includes protein predictors and evolutionary conservation, supports a deleterious effect; Has not been previously published as pathogenic or benign to our knowledge; This variant is associated with the following publications: (PMID: 30556376)

Natera, Inc.
Classification: Uncertain significance for Homocystinuria due to cystathionine beta-synthase deficiency. Last evaluated: 2020-01-02. Review status: no assertion criteria provided. Collection method: clinical testing. Allele origin: germline. Not counted in ClinVar's aggregate classification.

Literature cited by the submitters: PubMed 33057012 (cited by 3 submitters).